The following is an entry in ClinVar:

ClinVar aggregate classification (germline): Uncertain significance (1 of 4 stars; one submission).

Conditions:
Bifunctional peroxisomal enzyme deficiency (DBIF). Also called: PBFE DEFICIENCY; DBP DEFICIENCY; D-bifunctional protein deficiency. Identifiers: Orphanet 300, MedGen C0342870, MONDO:0009855, OMIM 261515. Disease mechanism: loss of function.
Perrault syndrome. Also called: Gonadal dysgenesis with auditory dysfunction, autosomal recessive inheritance. Identifiers: Orphanet 2855, MedGen C0685838, MONDO:0017312.

Allele frequency attached by ClinVar (database versions not stated): ExAC 0.00001; gnomAD 0.00001; gnomAD exomes 0.00001; TOPMed 0.00001; ESP Exome Variant Server 0.00008.
gnomAD v4.1: 13 of 1,613,360 alleles (0.00081%); highest among the groups gnomAD compares: African/African-American, 0.0027%; no homozygotes.

Submission:

Labcorp Genetics (formerly Invitae), Labcorp
Classification: Uncertain significance for Perrault syndrome; Bifunctional peroxisomal enzyme deficiency. Last evaluated: 2022-08-22. Review status: criteria provided, single submitter. Criteria: Invitae Variant Classification Sherloc (09022015). Collection method: clinical testing. Allele origin: germline.
Comment: This sequence change replaces arginine, which is basic and polar, with glutamine, which is neutral and polar, at codon 199 of the HSD17B4 protein (p.Arg199Gln). This variant is present in population databases (rs142141053, gnomAD 0.0009%). This variant has not been reported in the literature in individuals affected with HSD17B4-related conditions. Advanced modeling of protein sequence and biophysical properties (such as structural, functional, and spatial information, amino acid conservation, physicochemical variation, residue mobility, and thermodynamic stability) performed at Invitae indicates that this missense variant is expected to disrupt HSD17B4 protein function. Algorithms developed to predict the effect of sequence changes on RNA splicing suggest that this variant may create or strengthen a splice site. In summary, the available evidence is currently insufficient to determine the role of this variant in disease. Therefore, it has been classified as a Variant of Uncertain Significance.

NM_000414.4(HSD17B4):c.596G>A (p.Arg199Gln)

Gene: HSD17B4 (hydroxysteroid 17-beta dehydrogenase 4; plus strand). Cytogenetic location: 5q23.1.
Variant type: single nucleotide variant.
Coding change: c.596G>A on transcript NM_000414.4 (MANE Select); coding-DNA position 596, G replaced by A.
Protein change: p.Arg199Gln; replaces arginine 199 with glutamine.
Molecular consequence: missense variant. On other transcripts: non-coding transcript variant (2).
Genome position (GRCh38, 1-based): chr5:119,478,995, G>A. VCF-style: chr5-119478995-G-A. GRCh37 (hg19) VCF-style: chr5-118814690-G-A.
Other names: c.671G>A, p.Arg224Gln (NM_001199291.3); c.542G>A, p.Arg181Gln (NM_001199292.2); c.524G>A, p.Arg175Gln (NM_001292027.2); c.176G>A, p.Arg59Gln (NM_001292028.2); c.587G>A, p.Arg196Gln (NM_001374497.1); c.596G>A, p.Arg199Gln (NM_001374498.1); c.269G>A, p.Arg90Gln (NM_001374499.1); c.155G>A, p.Arg52Gln (NM_001374500.1); and 1 more; short protein forms R90Q, R175Q, R181Q, R224Q, R59Q, R199Q, R52Q, R62Q.
Identifiers: ClinVar variation 2159377 (VCV002159377.1), dbSNP rs142141053, ClinGen allele CA3381886.